The following is an entry in ClinVar:

ClinVar aggregate classification (germline): Likely benign (1 of 4 stars; one submission).

Submission:

CeGaT Center for Human Genetics Tuebingen
Classification: Likely benign. Last evaluated: 2023-05-01. Review status: criteria provided, single submitter. Criteria: CeGaT Center For Human Genetics Tuebingen Variant Classification Criteria Version 2. Collection method: clinical testing. Allele origin: germline. Affected: yes. Observed: 2 variant alleles.
Comment: HOXD10: BS2

NM_002148.4(HOXD10):c.*234AT[8]AAA[1]

Gene: HOXD10 (homeobox D10; plus strand). Cytogenetic location: 2q31.1.
Variant type: Microsatellite.
Coding change: c.*234AT[8]AAA[1] on transcript NM_002148.4 (MANE Select).
Molecular consequence: 3 prime UTR variant.
Genome position: GRCh38 VCF-style: chr2-176119464-T-TATATATATATATATATAA. GRCh37 (hg19) VCF-style: chr2-176984192-T-TATATATATATATATATAA.
Identifiers: ClinVar variation 1694983 (VCV001694983.31), dbSNP rs886055159.
Genomic context (GRCh38, chr2:176,119,464, plus strand): 5'-TCGTGCTGCAAGTGATCTGTAATCCCTATGAGTATATATATATATATATATATATATATA[T>TATATATATATATATATAA]AAAAACTTAGCACGTGTAATTTATTATTTTTTCATCGTAATGCAGGGTAACTATTATTGC-3'